The following is an entry in ClinVar:

NM_001042492.3(NF1):c.164T>C (p.Ile55Thr)

Gene: NF1 (neurofibromin 1; plus strand). Cytogenetic location: 17q11.2.
Variant type: single nucleotide variant.
Coding change: c.164T>C on transcript NM_001042492.3 (MANE Select); coding-DNA position 164, T replaced by C.
Protein change: p.Ile55Thr; replaces isoleucine 55 with threonine.
Molecular consequence: missense variant.
Genome position (GRCh38, 1-based): chr17:31,156,086, T>C. VCF-style: chr17-31156086-T-C. GRCh37 (hg19) VCF-style: chr17-29483104-T-C.
Other names: c.164T>C, p.Ile55Thr (NM_000267.4, NM_001128147.3); short protein forms I55T.
Identifiers: ClinVar variation 1317329 (VCV001317329.3), dbSNP rs2065657050, ClinGen allele CA398988575.

ClinVar aggregate classification (germline): Uncertain significance. Review status: criteria provided, multiple submitters, no conflicts (2 of 4 stars). 2 submissions from 2 submitters: Uncertain significance (2). Last evaluated 2023-12-10.

Conditions:
Hereditary cancer-predisposing syndrome. Also called: Hereditary neoplastic syndrome; Neoplastic Syndromes, Hereditary; Tumor predisposition; Hereditary Cancer Syndrome. Identifiers: Orphanet 140162, MedGen C0027672, MeSH D009386, MONDO:0015356.
Cardiovascular phenotype. Identifiers: MedGen CN230736.

Submissions (2):

Ambry Genetics
Classification: Uncertain significance for Cardiovascular phenotype; Hereditary cancer-predisposing syndrome. Last evaluated: 2023-12-10. Review status: criteria provided, single submitter. Criteria: Ambry Variant Classification Scheme 2023. Collection method: clinical testing. Allele origin: germline.
Comment: The p.I55T variant (also known as c.164T>C), located in coding exon 2 of the NF1 gene, results from a T to C substitution at nucleotide position 164. The isoleucine at codon 55 is replaced by threonine, an amino acid with similar properties. This amino acid position is conserved. In addition, the in silico prediction for this alteration is inconclusive. Since supporting evidence is limited at this time, the clinical significance of this alteration remains unclear.

GeneDx
Classification: Uncertain significance. Last evaluated: 2020-08-26. Review status: criteria provided, single submitter. Criteria: GeneDx Variant Classification Process June 2021. Collection method: clinical testing. Allele origin: germline. Affected: yes.
Comment: Not observed in large population cohorts (Lek 2016); In silico analysis supports that this missense variant has a deleterious effect on protein structure/function; Has not been previously published as pathogenic or benign to our knowledge